The following is an entry in ClinVar:

ClinVar aggregate classification (germline): Uncertain significance (1 of 4 stars; one submission).

Conditions:
Jeune thoracic dystrophy. Also called: Jeune syndrome; Infantile thoracic dystrophy; Thoracic pelvic phalangeal dystrophy; Jeune's syndrome; Chondroectodermal dysplasia-like syndrome; Short-rib thoracic dysplasia. Identifiers: Orphanet 474, MedGen C0265275, MONDO:0018770.

Submission:

Labcorp Genetics (formerly Invitae), Labcorp
Classification: Uncertain significance for Jeune thoracic dystrophy. Last evaluated: 2021-03-24. Review status: criteria provided, single submitter. Criteria: Invitae Variant Classification Sherloc (09022015). Collection method: clinical testing. Allele origin: germline.
Comment: This sequence change replaces threonine with isoleucine at codon 365 of the IFT80 protein (p.Thr365Ile). The threonine residue is highly conserved and there is a moderate physicochemical difference between threonine and isoleucine. This variant is not present in population databases (ExAC no frequency). This variant has not been reported in the literature in individuals with IFT80-related conditions. In summary, the available evidence is currently insufficient to determine the role of this variant in disease. Therefore, it has been classified as a Variant of Uncertain Significance. Algorithms developed to predict the effect of missense changes on protein structure and function (SIFT, PolyPhen-2, Align-GVGD) all suggest that this variant is likely to be disruptive, but these predictions have not been confirmed by published functional studies and their clinical significance is uncertain.

NM_020800.3(IFT80):c.1094C>T (p.Thr365Ile)

Genes: IFT80 (intraflagellar transport 80; minus strand), TRIM59-IFT80 (TRIM59-IFT80 readthrough (NMD candidate); minus strand). Cytogenetic location: 3q25.33.
Variant type: single nucleotide variant.
Coding change: c.1094C>T on transcript NM_020800.3 (MANE Select); coding-DNA position 1094, C replaced by T.
Protein change: p.Thr365Ile; replaces threonine 365 with isoleucine.
Molecular consequence: missense variant. On other transcripts: non-coding transcript variant (3).
Genome position (GRCh38, 1-based): chr3:160,303,972, G>A on the plus strand (C>T on the coding strand, the complement: IFT80 is on the minus strand). VCF-style: chr3-160303972-G-A. GRCh37 (hg19) VCF-style: chr3-160021760-G-A.
Other names: c.683C>T, p.Thr228Ile (NM_001190241.2, NM_001190242.2); short protein forms T228I, T365I.
Identifiers: ClinVar variation 1356949 (VCV001356949.8), dbSNP rs2108271630, ClinGen allele CA355193972.